The following is an entry in ClinVar:

NM_001252024.2(TRPM1):c.4625G>C (p.Arg1542Pro)

Gene: TRPM1 (transient receptor potential cation channel subfamily M member 1; minus strand). Cytogenetic location: 15q13.3.
Variant type: single nucleotide variant.
Coding change: c.4625G>C on transcript NM_001252024.2 (MANE Select); coding-DNA position 4625, G replaced by C.
Protein change: p.Arg1542Pro; replaces arginine 1542 with proline.
Molecular consequence: missense variant.
Genome position (GRCh38, 1-based): chr15:31,002,075, C>G on the plus strand (G>C on the coding strand, the complement: TRPM1 is on the minus strand). VCF-style: chr15-31002075-C-G. GRCh37 (hg19) VCF-style: chr15-31294278-C-G.
Other names: c.4676G>C, p.Arg1559Pro (NM_001252020.2); c.4559G>C, p.Arg1520Pro (NM_002420.6); short protein forms R1520P, R1542P, R1559P.
Identifiers: ClinVar variation 958866 (VCV000958866.9), dbSNP rs554416392, ClinGen allele CA391522242.

ClinVar aggregate classification (germline): Uncertain significance (1 of 4 stars; one submission).

Submission:

Labcorp Genetics (formerly Invitae), Labcorp
Classification: Uncertain significance. Last evaluated: 2022-03-10. Review status: criteria provided, single submitter. Criteria: Invitae Variant Classification Sherloc (09022015). Collection method: clinical testing. Allele origin: germline.
Comment: ClinVar contains an entry for this variant (Variation ID: 958866). This variant has not been reported in the literature in individuals affected with TRPM1-related conditions. This variant is not present in population databases (gnomAD no frequency). This sequence change replaces arginine, which is basic and polar, with proline, which is neutral and non-polar, at codon 1520 of the TRPM1 protein (p.Arg1520Pro). Algorithms developed to predict the effect of missense changes on protein structure and function are either unavailable or do not agree on the potential impact of this missense change (SIFT: "Deleterious"; PolyPhen-2: "Benign"; Align-GVGD: "Class C0"). In summary, the available evidence is currently insufficient to determine the role of this variant in disease. Therefore, it has been classified as a Variant of Uncertain Significance.